The following is an entry in ClinVar:

NM_002437.5(MPV17):c.71-2A>G

Gene: MPV17 (mitochondrial inner membrane protein MPV17; minus strand). Cytogenetic location: 2p23.3.
Variant type: single nucleotide variant.
Coding change: c.71-2A>G on transcript NM_002437.5 (MANE Select); the canonical splice acceptor site of the intron before coding-DNA position 71, A replaced by G.
Molecular consequence: splice acceptor variant.
Genome position (GRCh38, 1-based): chr2:27,313,111, T>C on the plus strand (A>G on the coding strand, the complement: MPV17 is on the minus strand). VCF-style: chr2-27313111-T-C. GRCh37 (hg19) VCF-style: chr2-27535978-T-C.
Identifiers: ClinVar variation 1068000 (VCV001068000.7), dbSNP rs2148216461, ClinGen allele CA346209538.

ClinVar aggregate classification (germline): Likely pathogenic (1 of 4 stars; one submission).

gnomAD v4.1: 1 of 1,614,146 alleles (0.000062%); highest among the groups gnomAD compares: Non-Finnish European, 0.000085%; no homozygotes.

Submission:

Labcorp Genetics (formerly Invitae), Labcorp
Classification: Likely pathogenic. Last evaluated: 2025-06-09. Review status: criteria provided, single submitter. Criteria: Invitae Variant Classification Sherloc (09022015). Collection method: clinical testing. Allele origin: germline.
Comment: This sequence change affects an acceptor splice site in intron 2 of the MPV17 gene. It is expected to disrupt RNA splicing. Variants that disrupt the donor or acceptor splice site typically lead to a loss of protein function (PMID: 16199547), and loss-of-function variants in MPV17 are known to be pathogenic (PMID: 23714749). This variant is not present in population databases (gnomAD no frequency). This variant has not been reported in the literature in individuals affected with MPV17-related conditions. ClinVar contains an entry for this variant (Variation ID: 1068000). Algorithms developed to predict the effect of sequence changes on RNA splicing suggest that this variant may disrupt the consensus splice site. In summary, the currently available evidence indicates that the variant is pathogenic, but additional data are needed to prove that conclusively. Therefore, this variant has been classified as Likely Pathogenic.

Literature cited by the submitters: PubMed 16199547; PubMed 23714749.